The following is an entry in ClinVar:

NM_001110556.2(FLNA):c.63C>T (p.Val21=)

Gene: FLNA (filamin A; minus strand). Cytogenetic location: Xq28.
Variant type: single nucleotide variant.
Coding change: c.63C>T on transcript NM_001110556.2 (MANE Select); coding-DNA position 63, C replaced by T.
Protein change: p.Val21=; no amino-acid change (valine 21 retained).
Molecular consequence: synonymous variant.
Genome position (GRCh38, 1-based): chrX:154,371,183, G>A on the plus strand (C>T on the coding strand, the complement: FLNA is on the minus strand). VCF-style: chrX-154371183-G-A. GRCh37 (hg19) VCF-style: chrX-153599551-G-A.
Other names: c.63C>T, p.Val21= (NM_001456.4); c.63C>T (NM_001110556.1).
Identifiers: ClinVar variation 810975 (VCV000810975.35), dbSNP rs782306951, ClinGen allele CA10561468.

ClinVar aggregate classification (germline): Benign/Likely benign. Review status: criteria provided, multiple submitters, no conflicts (2 of 4 stars). 8 submissions from 8 submitters: Benign (1); Likely benign (6). 1 of the submissions does not count toward it. Last evaluated 2026-01-17.

Conditions:
Familial thoracic aortic aneurysm and aortic dissection (TAAD). Also called: Thoracic aortic aneurysms and dissections. Identifiers: Orphanet 91387, MedGen C4707243, MONDO:0019625.
FLNA-related disorder.
Oto-palato-digital syndrome, type II (OPD2). Also called: Otopalatodigital Syndrome, Type II; OPD II SYNDROME; Otopalatodigital Syndrome Type 2 (FLNA-OPD2); FACIOPALATOOSSEOUS SYNDROME. Identifiers: Orphanet 669, Orphanet 90652, MedGen C1844696, MONDO:0010571, OMIM 304120.
Frontometaphyseal dysplasia (FMD1). Identifiers: Orphanet 1826, MedGen C0265293, MONDO:0015942.
Heterotopia, periventricular, X-linked dominant (PVNH1). Also called: PERIVENTRICULAR NODULAR HETEROTOPIA 4; HETEROTOPIA, PERIVENTRICULAR, 1; PERIVENTRICULAR NODULAR HETEROTOPIA 1; X-linked periventricular heterotopia. Identifiers: Orphanet 2149, Orphanet 82004, MedGen C1848213, MONDO:0010233, OMIM 300049.
Melnick-Needles syndrome (MNS). Also called: MELNICK-NEEDLES OSTEODYSPLASTY; OSTEODYSPLASTY OF MELNICK AND NEEDLES; Melnick-Needles Syndrome (FLNA-MNS). Identifiers: Orphanet 2484, MedGen C0025237, MONDO:0010650, OMIM 309350.

Allele frequency attached by ClinVar (database versions not stated): gnomAD 0.00004 and 0.00005; ExAC 0.00005; TOPMed 0.00005; gnomAD exomes 0.00006 and 0.00007.
gnomAD v4.1: 81 of 1,193,862 alleles (0.0068%); highest among the groups gnomAD compares: Non-Finnish European, 0.0084%; no homozygotes.

Submissions (8):

Labcorp Genetics (formerly Invitae), Labcorp
Classification: Benign for Oto-palato-digital syndrome, type II; Heterotopia, periventricular, X-linked dominant; Frontometaphyseal dysplasia; Melnick-Needles syndrome. Last evaluated: 2026-01-17. Review status: criteria provided, single submitter. Criteria: Invitae Variant Classification Sherloc (09022015). Collection method: clinical testing. Allele origin: germline.

Molecular Diagnostic Laboratory for Inherited Cardiovascular Disease, Montreal Heart Institute
Classification: Likely benign. Last evaluated: 2025-04-09. Review status: criteria provided, single submitter. Criteria: ACMG Guidelines, 2015. Collection method: clinical testing. Allele origin: germline. Affected: no.
Comment: BP7

CeGaT Center for Human Genetics Tuebingen
Classification: Likely benign. Last evaluated: 2025-02-01. Review status: criteria provided, single submitter. Criteria: CeGaT Center For Human Genetics Tuebingen Variant Classification Criteria Version 2. Collection method: clinical testing. Allele origin: germline. Affected: yes. Observed: 1 variant allele.
Comment: FLNA: BP4, BP7, BS2

Women's Health and Genetics/Laboratory Corporation of America, LabCorp
Classification: Likely benign. Last evaluated: 2024-06-24. Review status: criteria provided, single submitter. Criteria: LabCorp Variant Classification Summary - May 2015. Collection method: clinical testing. Allele origin: germline.

Blueprint Genetics
Classification: Likely benign. Last evaluated: 2023-11-10. Review status: criteria provided, single submitter. Criteria: ACMG Guidelines, 2015. Collection method: clinical testing. Allele origin: germline.

ARUP Laboratories, Molecular Genetics and Genomics, ARUP Laboratories
Classification: Likely benign. Last evaluated: 2018-09-05. Review status: criteria provided, single submitter. Criteria: ARUP Molecular Germline Variant Investigation Process. Collection method: clinical testing. Allele origin: germline.

Ambry Genetics
Classification: Likely benign for Familial thoracic aortic aneurysm and aortic dissection. Last evaluated: 2017-10-06. Review status: criteria provided, single submitter. Criteria: Ambry Variant Classification Scheme 2023. Collection method: clinical testing. Allele origin: germline.

PreventionGenetics, part of Exact Sciences
Classification: Likely benign for FLNA-related condition. Last evaluated: 2020-09-02. Review status: no assertion criteria provided. Collection method: clinical testing. Allele origin: germline. Not counted in ClinVar's aggregate classification.
Comment: This variant is classified as likely benign based on ACMG/AMP sequence variant interpretation guidelines (Richards et al. 2015 PMID: 25741868, with internal and published modifications).